The following is an entry in ClinVar:

NM_203447.4(DOCK8):c.1798-1G>A

Gene: DOCK8 (dedicator of cytokinesis 8; plus strand). Cytogenetic location: 9p24.3.
Variant type: single nucleotide variant.
Coding change: c.1798-1G>A on transcript NM_203447.4 (MANE Select); the canonical splice acceptor site of the intron before coding-DNA position 1798, G replaced by A.
Molecular consequence: splice acceptor variant.
Genome position (GRCh38, 1-based): chr9:370,229, G>A. VCF-style: chr9-370229-G-A. GRCh37 (hg19) VCF-style: chr9-370229-G-A.
Other names: c.1594-1G>A (NM_001193536.2, NM_001190458.2).
Identifiers: ClinVar variation 4071527 (VCV004071527.1).
Genomic context (GRCh38, chr9:370,229, plus strand): 5'-TAGTCAATTTGATGTACCCAAATGTTACTGATAATTTGATCCTTTCTCTACTGGTGAACA[G>A]GTCATCTTTGGAAAATCCAGCGGGCCTGAATTTCTGCAGGAAGTGTACACAGCTGTTACA-3'

ClinVar aggregate classification (germline): Likely pathogenic (1 of 4 stars; one submission).

Conditions:
Combined immunodeficiency due to DOCK8 deficiency (HIES2). Also called: HIES autosomal recessive; Hyper-IgE recurrent infection syndrome, autosomal recessive; HYPER-IgE RECURRENT INFECTION SYNDROME 2, AUTOSOMAL RECESSIVE; HYPER-IgE SYNDROME 2, AUTOSOMAL RECESSIVE, WITH RECURRENT INFECTIONS; DOCK8 Deficiency. Identifiers: Orphanet 217390, MedGen C4722305, MONDO:0009478, OMIM 243700.

Submission:

Next Generation Genetic Polyclinic
Classification: Likely pathogenic for Combined immunodeficiency due to DOCK8 deficiency. Last evaluated: 2025-04-05. Review status: criteria provided, single submitter. Criteria: ACMG Guidelines, 2015. Collection method: curation. Allele origin: germline. Affected: yes. Observed: 1 variant allele.
Comment: A novel splice acceptor variant in the DOCK8 gene (c.1798-1G>A) was identified in the homozygous state. This variant disrupts the canonical splice acceptor site of intron 16, which is essential for correct mRNA splicing, and is predicted to lead to aberrant transcripts or exon skipping. The variant is absent from population databases (PM2) and predicted to be deleterious by in silico splicing models (PP3). DOCK8 is associated with autosomal recessive combined immunodeficiency characterized by elevated IgE and viral infections, and the variant fits with clinical phenotypes observed in affected individuals. Based on ACMG criteria, the variant is classified as Likely Pathogenic (PVS1_moderate, PM2, PP3).